The following is an entry in ClinVar:

NM_014727.3(KMT2B):c.4765del (p.Asp1589fs)

Gene: KMT2B (lysine methyltransferase 2B; plus strand). Cytogenetic location: 19q13.12.
Variant type: Deletion.
Coding change: c.4765del on transcript NM_014727.3 (MANE Select); coding-DNA position 4765, one base deleted (G; older notation c.4765delG).
Protein change: p.Asp1589fs; shifts the reading frame from aspartic acid 1589.
Molecular consequence: frameshift variant.
Genome position (GRCh38, 1-based): chr19:35,729,062, G deleted; the last of 4 consecutive G bases (chr19:35,729,059-35,729,062); deleting any one gives the same sequence. VCF-style (leftmost placement, unchanged base first): chr19-35729058-CG-C. GRCh37 (hg19) VCF-style: chr19-36219959-CG-C.
Other names: short protein forms D1589fs.
Identifiers: ClinVar variation 2444329 (VCV002444329.1), dbSNP rs2513342452, ClinGen allele CA2580096838.

ClinVar aggregate classification (germline): Likely pathogenic (1 of 4 stars; one submission).

Conditions:
Dystonia 28, childhood-onset (DYT28). Also called: KMT2B-Related Dystonia (DYT-KMT2B). Identifiers: Orphanet 589618, MedGen C4310633, MONDO:0015004, OMIM 617284.

Submission:

3billion
Classification: Likely pathogenic for Dystonia 28, childhood-onset. Last evaluated: 2023-02-23. Review status: criteria provided, single submitter. Criteria: ACMG Guidelines, 2015. Collection method: clinical testing. Allele origin: unknown. Affected: yes.
Comment: The variant is not observed in the gnomAD v2.1.1 dataset. This variant was predicted to result in a loss or disruption of normal protein function through nonsense-mediated decay (NMD) or protein truncation. Multiple pathogenic variants are reported downstream of the variant. Therefore, this variant is classified as Likely pathogenic according to the recommendation of ACMG/AMP guideline.